The following is an entry in ClinVar:

NM_006514.4(SCN10A):c.737T>G (p.Leu246Arg)

Gene: SCN10A (sodium voltage-gated channel alpha subunit 10; minus strand). Cytogenetic location: 3p22.2.
Variant type: single nucleotide variant.
Coding change: c.737T>G on transcript NM_006514.4 (MANE Select); coding-DNA position 737, T replaced by G.
Protein change: p.Leu246Arg; replaces leucine 246 with arginine.
Molecular consequence: missense variant.
Genome position (GRCh38, 1-based): chr3:38,761,338, A>C on the plus strand (T>G on the coding strand, the complement: SCN10A is on the minus strand). VCF-style: chr3-38761338-A-C. GRCh37 (hg19) VCF-style: chr3-38802829-A-C.
Other names: c.737T>G, p.Leu246Arg (NM_001293306.2, NM_001293307.2); short protein forms L246R.
Identifiers: ClinVar variation 3438164 (VCV003438164.2).

ClinVar aggregate classification (germline): Uncertain significance (1 of 4 stars; one submission).

Conditions:
Cardiovascular phenotype. Identifiers: MedGen CN230736.

Submission:

Ambry Genetics
Classification: Uncertain significance for Cardiovascular phenotype. Last evaluated: 2025-03-03. Review status: criteria provided, single submitter. Criteria: Ambry Variant Classification Scheme 2023. Collection method: clinical testing. Allele origin: germline.
Comment: The p.L246R variant (also known as c.737T>G), located in coding exon 6 of the SCN10A gene, results from a T to G substitution at nucleotide position 737. The leucine at codon 246 is replaced by arginine, an amino acid with dissimilar properties. This amino acid position is conserved. In addition, this alteration is predicted to be deleterious by in silico analysis. Based on the available evidence, the clinical significance of this variant remains unclear.